The following is an entry in ClinVar:

NM_052961.4(SLC26A8):c.2447G>A (p.Arg816Gln)

Gene: SLC26A8 (solute carrier family 26 member 8; minus strand). Cytogenetic location: 6p21.31.
Variant type: single nucleotide variant.
Coding change: c.2447G>A on transcript NM_052961.4 (MANE Select); coding-DNA position 2447, G replaced by A.
Protein change: p.Arg816Gln; replaces arginine 816 with glutamine.
Molecular consequence: missense variant.
Genome position (GRCh38, 1-based): chr6:35,951,188, C>T on the plus strand (G>A on the coding strand, the complement: SLC26A8 is on the minus strand). VCF-style: chr6-35951188-C-T. GRCh37 (hg19) VCF-style: chr6-35918965-C-T.
Other names: c.2447G>A, p.Arg816Gln (NM_001193476.2); c.2132G>A, p.Arg711Gln (NM_138718.3); short protein forms R816Q, R711Q.
Identifiers: ClinVar variation 788857 (VCV000788857.4), dbSNP rs116200048, ClinGen allele CA3775244.

ClinVar aggregate classification (germline): Benign. Review status: criteria provided, multiple submitters, no conflicts (2 of 4 stars). 2 submissions from 2 submitters: Benign (2). Last evaluated 2026-05-27.

Conditions:
SLC26A8-related disorder. Also called: SLC26A8-related condition.

Allele frequency attached by ClinVar (database versions not stated): 1000 Genomes Project 0.00200; 1000 Genomes Project 30x 0.00219; TOPMed 0.00610; gnomAD 0.00689 and 0.00717; ESP Exome Variant Server 0.00769.
gnomAD v4.1: 16,432 of 1,613,726 alleles (1%); highest among the groups gnomAD compares: Non-Finnish European, 1.2%; 112 homozygotes.

Submissions (2):

PreventionGenetics, part of Exact Sciences
Classification: Benign for SLC26A8-related condition. Last evaluated: 2026-05-27. Review status: criteria provided, single submitter. Criteria: ACMG Guidelines, 2015. Collection method: clinical testing. Allele origin: germline.
Comment: This variant is classified as benign based on ACMG/AMP sequence variant interpretation guidelines (Richards et al. 2015 PMID: 25741868, with internal and published modifications).

Labcorp Genetics (formerly Invitae), Labcorp
Classification: Benign. Last evaluated: 2018-11-20. Review status: criteria provided, single submitter. Criteria: Invitae Variant Classification Sherloc (09022015). Collection method: clinical testing. Allele origin: germline.